The following is an entry in ClinVar:

NM_198271.5(LMOD3):c.1079T>C (p.Ile360Thr)

Gene: LMOD3 (leiomodin 3; minus strand). Cytogenetic location: 3p14.1.
Variant type: single nucleotide variant.
Coding change: c.1079T>C on transcript NM_198271.5 (MANE Select); coding-DNA position 1079, T replaced by C.
Protein change: p.Ile360Thr; replaces isoleucine 360 with threonine.
Molecular consequence: missense variant.
Genome position (GRCh38, 1-based): chr3:69,119,276, A>G on the plus strand (T>C on the coding strand, the complement: LMOD3 is on the minus strand). VCF-style: chr3-69119276-A-G. GRCh37 (hg19) VCF-style: chr3-69168427-A-G.
Other names: c.1079T>C, p.Ile360Thr (NM_001304418.3); short protein forms I360T.
Identifiers: ClinVar variation 567261 (VCV000567261.5), dbSNP rs1559661751, ClinGen allele CA353473121.
Genomic context (GRCh38, chr3:69,119,276, plus strand): 5'-GGAAGCTCAAAATGGTAGCCCATCTTCAGGAGAGTGTTGTTTGCCTTCAAAAGCCTGGCT[A>G]TTTCCATTTCAGCATGGTGACCCAACATGTGCCTCTGATTGTGAAACCGAAGCTCAGTTA-3'
Protein context (NP_938012.2, residues 350-370): HMLGHHAEME[Ile360Thr]ARLLKANNTL

ClinVar aggregate classification (germline): Uncertain significance (1 of 4 stars; one submission).

Conditions:
Nemaline myopathy 10 (NEM10). Identifiers: MedGen C4015360, MONDO:0014513, OMIM 616165.

Submission:

Labcorp Genetics (formerly Invitae), Labcorp
Classification: Uncertain significance for Nemaline myopathy 10. Last evaluated: 2022-02-05. Review status: criteria provided, single submitter. Criteria: Invitae Variant Classification Sherloc (09022015). Collection method: clinical testing. Allele origin: germline.
Comment: In summary, the available evidence is currently insufficient to determine the role of this variant in disease. Therefore, it has been classified as a Variant of Uncertain Significance. Algorithms developed to predict the effect of missense changes on protein structure and function (SIFT, PolyPhen-2, Align-GVGD) all suggest that this variant is likely to be disruptive. ClinVar contains an entry for this variant (Variation ID: 567261). This variant has not been reported in the literature in individuals affected with LMOD3-related conditions. This variant is not present in population databases (gnomAD no frequency). This sequence change replaces isoleucine, which is neutral and non-polar, with threonine, which is neutral and polar, at codon 360 of the LMOD3 protein (p.Ile360Thr).